The following is an entry in ClinVar:

ClinVar aggregate classification (germline): Uncertain significance. Review status: criteria provided, multiple submitters, no conflicts (2 of 4 stars). 3 submissions from 3 submitters: Uncertain significance (3). Last evaluated 2025-09-14.

Conditions:
Exertional Heat Illness.
Hypertrophic cardiomyopathy. Also called: HYPERTROPHIC MYOCARDIOPATHY. Identifiers: Orphanet 217569, MedGen C0007194, MeSH D002312, MONDO:0005045, HP:0001639.
Cardiomyopathy (CMYO). Also called: Cardiomyopathies. Identifiers: Orphanet 167848, MedGen C0878544, MONDO:0004994, HP:0001638. Inheritance: Various modes of inheritance.

Submissions (3):

Color Diagnostics, LLC DBA Color Health
Classification: Uncertain significance for Cardiomyopathy. Last evaluated: 2025-09-14. Review status: criteria provided, single submitter. Criteria: ACMG Guidelines, 2015. Collection method: clinical testing. Allele origin: germline.
Comment: This missense variant replaces aspartic acid with glycine at codon 1339 of the MYH7 protein. Computational prediction suggests that this variant may have deleterious impact on protein structure and function. To our knowledge, functional studies have not been reported for this variant. This variant has not been reported in individuals affected with MYH7-related disorders in the literature. This variant has not been identified in the general population by the Genome Aggregation Database (gnomAD). The available evidence is insufficient to determine the role of this variant in disease conclusively. Therefore, this variant is classified as a Variant of Uncertain Significance.

Uniformed Services University, Consortium for Health and Military Performance
Classification: Uncertain significance for Exertional Heat Illness. Last evaluated: 2024-08-08. Review status: criteria provided, single submitter. Criteria: ACMG Guidelines, 2015. Collection method: research. Allele origin: germline. Affected: yes.
Comment: This pathogenicity assessment is relevant only for Exertional Heat Illness. This sequence change replaces asparagine with glycine at codon 1339 of the MYH7 (p.Asp1339Gly). This variant was absent in gnomAD population database. This missense variant has not been reported in individual(s) with MYH7-related disorders. Computational evidence (CADD score: 29; REVEL score: 0.95 ) supports disruptive effect of this variant on MYH7 protein function. Has been classified as a Variant of Uncertain Significance. ACMG/AMP criteria implemented: PM2 and PP3.

Labcorp Genetics (formerly Invitae), Labcorp
Classification: Uncertain significance for Hypertrophic cardiomyopathy. Last evaluated: 2024-07-30. Review status: criteria provided, single submitter. Criteria: Invitae Variant Classification Sherloc (09022015). Collection method: clinical testing. Allele origin: germline.
Comment: This sequence change replaces aspartic acid, which is acidic and polar, with glycine, which is neutral and non-polar, at codon 1339 of the MYH7 protein (p.Asp1339Gly). This variant is not present in population databases (gnomAD no frequency). This variant has not been reported in the literature in individuals affected with MYH7-related conditions. Advanced modeling of protein sequence and biophysical properties (such as structural, functional, and spatial information, amino acid conservation, physicochemical variation, residue mobility, and thermodynamic stability) performed at Invitae indicates that this missense variant is expected to disrupt MYH7 protein function with a positive predictive value of 95%. In summary, the available evidence is currently insufficient to determine the role of this variant in disease. Therefore, it has been classified as a Variant of Uncertain Significance.

NM_000257.4(MYH7):c.4016A>G (p.Asp1339Gly)

Gene: MYH7 (myosin heavy chain 7; minus strand). Cytogenetic location: 14q11.2.
Variant type: single nucleotide variant.
Coding change: c.4016A>G on transcript NM_000257.4 (MANE Select); coding-DNA position 4016, A replaced by G.
Protein change: p.Asp1339Gly; replaces aspartic acid 1339 with glycine.
Molecular consequence: missense variant.
Genome position (GRCh38, 1-based): chr14:23,418,363, T>C on the plus strand (A>G on the coding strand, the complement: MYH7 is on the minus strand). VCF-style: chr14-23418363-T-C. GRCh37 (hg19) VCF-style: chr14-23887572-T-C.
Other names: c.4016A>G, p.Asp1339Gly (NM_001407004.1); short protein forms D1339G.
Identifiers: ClinVar variation 3340065 (VCV003340065.4).
Genomic context (GRCh38, chr14:23,418,363, plus strand): 5'-CGCTGCAGCTCGGCCTTGGCCTCCGTCTCCTCCTCGTACTGCTCCCGCAGCAGGTCGCAG[T>C]CATGCCGGGCCGACTGCAGTGCGTGGGCCAGGGCGTTCTTCGCCTGGGGAGGGGTGGGCA-3'
Protein context (NP_000248.2, residues 1329-1349): LAHALQSARH[Asp1339Gly]CDLLREQYEE